The following is an entry in ClinVar:

ClinVar aggregate classification (germline): Uncertain significance (1 of 4 stars; one submission).

Conditions:
Heterotopia, periventricular, X-linked dominant (PVNH1). Also called: PERIVENTRICULAR NODULAR HETEROTOPIA 4; HETEROTOPIA, PERIVENTRICULAR, 1; PERIVENTRICULAR NODULAR HETEROTOPIA 1; X-linked periventricular heterotopia. Identifiers: Orphanet 2149, Orphanet 82004, MedGen C1848213, MONDO:0010233, OMIM 300049.
Melnick-Needles syndrome (MNS). Also called: MELNICK-NEEDLES OSTEODYSPLASTY; OSTEODYSPLASTY OF MELNICK AND NEEDLES; Melnick-Needles Syndrome (FLNA-MNS). Identifiers: Orphanet 2484, MedGen C0025237, MONDO:0010650, OMIM 309350.
Frontometaphyseal dysplasia (FMD1). Identifiers: Orphanet 1826, MedGen C0265293, MONDO:0015942.
Oto-palato-digital syndrome, type II (OPD2). Also called: FACIOPALATOOSSEOUS SYNDROME; OPD II SYNDROME; Otopalatodigital Syndrome, Type II; Otopalatodigital Syndrome Type 2 (FLNA-OPD2). Identifiers: Orphanet 669, Orphanet 90652, MedGen C1844696, MONDO:0010571, OMIM 304120.

Allele frequency attached by ClinVar (database versions not stated): gnomAD exomes below 0.00001.
gnomAD v4.1: 5 of 1,212,151 alleles (0.00041%); highest among the groups gnomAD compares: Non-Finnish European, 0.00056%; no homozygotes.

Submission:

Labcorp Genetics (formerly Invitae), Labcorp
Classification: Uncertain significance for Oto-palato-digital syndrome, type II; Heterotopia, periventricular, X-linked dominant; Frontometaphyseal dysplasia; Melnick-Needles syndrome. Last evaluated: 2022-01-17. Review status: criteria provided, single submitter. Criteria: Invitae Variant Classification Sherloc (09022015). Collection method: clinical testing. Allele origin: germline.
Comment: This sequence change replaces alanine, which is neutral and non-polar, with serine, which is neutral and polar, at codon 2536 of the FLNA protein (p.Ala2536Ser). This variant is not present in population databases (gnomAD no frequency). This variant has not been reported in the literature in individuals affected with FLNA-related conditions. Advanced modeling of protein sequence and biophysical properties (such as structural, functional, and spatial information, amino acid conservation, physicochemical variation, residue mobility, and thermodynamic stability) performed at Invitae indicates that this missense variant is not expected to disrupt FLNA protein function. In summary, the available evidence is currently insufficient to determine the role of this variant in disease. Therefore, it has been classified as a Variant of Uncertain Significance.

NM_001110556.2(FLNA):c.7630G>T (p.Ala2544Ser)

Genes: FLNA (filamin A; minus strand), LOC107988032 (Xq28 proximal FLNA-EMD recombination region; plus strand). Cytogenetic location: Xq28.
Variant type: single nucleotide variant.
Coding change: c.7630G>T on transcript NM_001110556.2 (MANE Select); coding-DNA position 7630, G replaced by T.
Protein change: p.Ala2544Ser; replaces alanine 2544 with serine.
Molecular consequence: missense variant.
Genome position (GRCh38, 1-based): chrX:154,349,488, C>A on the plus strand (G>T on the coding strand, the complement: FLNA is on the minus strand). VCF-style: chrX-154349488-C-A. GRCh37 (hg19) VCF-style: chrX-153577856-C-A.
Other names: c.7606G>T, p.Ala2536Ser (NM_001456.4); short protein forms A2544S, A2536S.
Identifiers: ClinVar variation 1388776 (VCV001388776.6), dbSNP rs782714612, ClinGen allele CA415180459.